The following is an entry in ClinVar:

ClinVar aggregate classification (germline): Likely benign. Review status: criteria provided, single submitter (1 of 4 stars). 2 submissions from 2 submitters: Likely benign (1). 1 of the submissions does not count toward it. Last evaluated 2022-09-27.

Conditions:
X-linked intellectual disability Cabezas type (MRXSC). Also called: CABEZAS SYNDROME; MENTAL RETARDATION, X-LINKED, SYNDROMIC 15; Intellectual developmental disorder, X-linked syndromic, Cabezas type. Identifiers: Orphanet 85289, Orphanet 85293, MedGen C1845861, MONDO:0010306, OMIM 300354.
CUL4B-related disorder. Also called: CUL4B-related condition.

Allele frequency attached by ClinVar (database versions not stated): gnomAD exomes below 0.00001; ExAC 0.00002; TOPMed 0.00004; gnomAD 0.00005; ESP Exome Variant Server 0.00019.
gnomAD v4.1: 8 of 1,207,583 alleles (0.00066%); highest among the groups gnomAD compares: African/African-American, 0.014%; no homozygotes.

Submissions (2):

Labcorp Genetics (formerly Invitae), Labcorp
Classification: Likely benign for X-linked intellectual disability Cabezas type. Last evaluated: 2022-09-27. Review status: criteria provided, single submitter. Criteria: Invitae Variant Classification Sherloc (09022015). Collection method: clinical testing. Allele origin: germline.

PreventionGenetics, part of Exact Sciences
Classification: Likely benign for CUL4B-related condition. Last evaluated: 2023-04-27. Review status: no assertion criteria provided. Collection method: clinical testing. Allele origin: germline. Not counted in ClinVar's aggregate classification.
Comment: This variant is classified as likely benign based on ACMG/AMP sequence variant interpretation guidelines (Richards et al. 2015 PMID: 25741868, with internal and published modifications).

NM_001079872.2(CUL4B):c.954T>C (p.Ile318=)

Gene: CUL4B (cullin 4B; minus strand). Cytogenetic location: Xq24.
Variant type: single nucleotide variant.
Coding change: c.954T>C on transcript NM_001079872.2 (MANE Select); coding-DNA position 954, T replaced by C.
Protein change: p.Ile318=; no amino-acid change (isoleucine 318 retained).
Molecular consequence: synonymous variant.
Genome position (GRCh38, 1-based): chrX:120,544,610, A>G on the plus strand (T>C on the coding strand, the complement: CUL4B is on the minus strand). VCF-style: chrX-120544610-A-G. GRCh37 (hg19) VCF-style: chrX-119678465-A-G.
Other names: c.969T>C, p.Ile323= (NM_001330624.2); c.420T>C, p.Ile140= (NM_001369145.1); c.1008T>C, p.Ile336= (NM_003588.4); c.1008T>C (NM_003588.3).
Identifiers: ClinVar variation 2417286 (VCV002417286.6), dbSNP rs144312827, ClinGen allele CA10505603.